The following is an entry in ClinVar:

ClinVar aggregate classification (germline): Uncertain significance (1 of 4 stars; one submission).

Allele frequency attached by ClinVar (database versions not stated): gnomAD exomes below 0.00001.
gnomAD v4.1: 5 of 1,614,018 alleles (0.00031%); highest among the groups gnomAD compares: Non-Finnish European, 0.00017%; no homozygotes.

Submission:

Labcorp Genetics (formerly Invitae), Labcorp
Classification: Uncertain significance. Last evaluated: 2022-08-09. Review status: criteria provided, single submitter. Criteria: Invitae Variant Classification Sherloc (09022015). Collection method: clinical testing. Allele origin: germline.
Comment: This sequence change replaces isoleucine, which is neutral and non-polar, with serine, which is neutral and polar, at codon 294 of the PLK4 protein (p.Ile294Ser). This variant is not present in population databases (gnomAD no frequency). This missense change has been observed in individual(s) with clinical features of Seckel syndrome (PMID: 30842647). Algorithms developed to predict the effect of missense changes on protein structure and function are either unavailable or do not agree on the potential impact of this missense change (SIFT: "Deleterious"; PolyPhen-2: "Benign"; Align-GVGD: "Class C0"). Algorithms developed to predict the effect of sequence changes on RNA splicing suggest that this variant may create or strengthen a splice site. In summary, the available evidence is currently insufficient to determine the role of this variant in disease. Therefore, it has been classified as a Variant of Uncertain Significance.

Literature cited by the submitters: PubMed 30842647.

NM_014264.5(PLK4):c.881T>G (p.Ile294Ser)

Gene: PLK4 (polo like kinase 4; plus strand). Cytogenetic location: 4q28.1.
Variant type: single nucleotide variant.
Coding change: c.881T>G on transcript NM_014264.5 (MANE Select); coding-DNA position 881, T replaced by G.
Protein change: p.Ile294Ser; replaces isoleucine 294 with serine.
Molecular consequence: missense variant.
Genome position (GRCh38, 1-based): chr4:127,886,251, T>G. VCF-style: chr4-127886251-T-G. GRCh37 (hg19) VCF-style: chr4-128807406-T-G.
Other names: c.785T>G, p.Ile262Ser (NM_001190799.2); c.758T>G, p.Ile253Ser (NM_001190801.2); short protein forms I253S, I294S, I262S.
Identifiers: ClinVar variation 1916257 (VCV001916257.2), dbSNP rs1735121936, ClinGen allele CA358151175.